The following is an entry in ClinVar:

ClinVar aggregate classification (germline): Uncertain significance (1 of 4 stars; one submission).

Conditions:
Epidermolysis bullosa simplex 3, localized or generalized intermediate, with BP230 deficiency (EBS3). Also called: Epidermolysis bullosa simplex, autosomal recessive 2; Epidermolysis bullosa simplex due to BP230 deficiency. Identifiers: Orphanet 412181, MedGen C3809470, MONDO:0014180, OMIM 615425.
Hereditary sensory and autonomic neuropathy type 6. Also called: Neuropathy, hereditary sensory and autonomic, type VI; HSAN VI. Identifiers: Orphanet 314381, MedGen C3539003, MONDO:0013839, OMIM 614653.

Allele frequency attached by ClinVar (database versions not stated): gnomAD exomes below 0.00001.
gnomAD v4.1: 1 of 1,613,582 alleles (0.000062%); highest among the groups gnomAD compares: Non-Finnish European, 0.000085%; no homozygotes.

Submission:

Labcorp Genetics (formerly Invitae), Labcorp
Classification: Uncertain significance for Epidermolysis bullosa simplex 3, localized or generalized intermediate, with BP230 deficiency; Hereditary sensory and autonomic neuropathy type 6. Last evaluated: 2021-12-10. Review status: criteria provided, single submitter. Criteria: Invitae Variant Classification Sherloc (09022015). Collection method: clinical testing. Allele origin: germline.
Comment: This variant is not present in population databases (gnomAD no frequency). This variant has not been reported in the literature in individuals affected with DST-related conditions. Experimental studies and prediction algorithms are not available or were not evaluated, and the functional significance of this variant is currently unknown. In summary, the available evidence is currently insufficient to determine the role of this variant in disease. Therefore, it has been classified as a Variant of Uncertain Significance. This sequence change replaces lysine, which is basic and polar, with methionine, which is neutral and non-polar, at codon 4295 of the DST protein (p.Lys4295Met). The DST gene has multiple clinically relevant transcripts. This variant occurs in alternate transcript NM_015548.4, and corresponds to NM_001723.5:c.*123286A>T in the primary transcript.

NM_001374736.1(DST):c.20753A>T (p.Lys6918Met)

Gene: DST (dystonin; minus strand). Cytogenetic location: 6p12.1.
Variant type: single nucleotide variant.
Coding change: c.20753A>T on transcript NM_001374736.1 (MANE Select); coding-DNA position 20753, A replaced by T.
Protein change: p.Lys6918Met; replaces lysine 6918 with methionine.
Molecular consequence: missense variant.
Genome position (GRCh38, 1-based): chr6:56,492,231, T>A on the plus strand (A>T on the coding strand, the complement: DST is on the minus strand). VCF-style: chr6-56492231-T-A. GRCh37 (hg19) VCF-style: chr6-56357029-T-A.
Other names: c.14396A>T, p.Lys4799Met (NM_001144769.5); c.13982A>T, p.Lys4661Met (NM_001144770.2); c.20753A>T, p.Lys6918Met (NM_001374722.1); c.19793A>T, p.Lys6598Met (NM_001374729.1); c.13535A>T, p.Lys4512Met (NM_001374730.1); c.20780A>T, p.Lys6927Met (NM_001374734.1); c.13862A>T, p.Lys4621Met (NM_001386100.1, NM_183380.4); c.12884A>T, p.Lys4295Met (NM_015548.5); short protein forms K4661M, K6927M, K4295M, K4621M, K4799M, K6598M, K4512M, K6918M.
Identifiers: ClinVar variation 2164479 (VCV002164479.2), dbSNP rs2533935543, ClinGen allele CA364515148.
Genomic context (GRCh38, chr6:56,492,231, plus strand): 5'-AACAGCAAGAAGTGGTTTATTGACAAGTTCAGAGAATTTTTCTAAAGGGTTATTACCTGC[T>A]TGGCTCTCTTCCTTGCATCATCCAAAGATCTTCCTCTCTCTACCAACCGTTGAACCACTT-3'
Protein context (NP_001361665.1, residues 6908-6928): RSLDDARKRA[Lys6918Met]QFHEAWSKLM